The following is an entry in ClinVar:

NM_080680.3(COL11A2):c.1097C>T (p.Ala366Val)

Gene: COL11A2 (collagen type XI alpha 2 chain; minus strand). Cytogenetic location: 6p21.32.
Variant type: single nucleotide variant.
Coding change: c.1097C>T on transcript NM_080680.3 (MANE Select); coding-DNA position 1097, C replaced by T.
Protein change: p.Ala366Val; replaces alanine 366 with valine.
Molecular consequence: missense variant. On other transcripts: intron variant (2).
Genome position (GRCh38, 1-based): chr6:33,184,167, G>A on the plus strand (C>T on the coding strand, the complement: COL11A2 is on the minus strand). VCF-style: chr6-33184167-G-A. GRCh37 (hg19) VCF-style: chr6-33151944-G-A.
Other names: c.798+2460C>T (NM_080679.3); c.861+825C>T (NM_080681.3); short protein forms A366V.
Identifiers: ClinVar variation 1205776 (VCV001205776.15), dbSNP rs534335166, ClinGen allele CA3751481.

ClinVar aggregate classification (germline): Conflicting classifications of pathogenicity. Review status: criteria provided, conflicting classifications (1 of 4 stars). 4 submissions from 4 submitters: Uncertain significance (3); Benign (1). Last evaluated 2026-01-21.

Allele frequency attached by ClinVar (database versions not stated): gnomAD 0.00001 and 0.00002; gnomAD exomes 0.00004 and 0.00006; ExAC 0.00005; 1000 Genomes Project 30x 0.00016; 1000 Genomes Project 0.00020.
gnomAD v4.1: 52 of 1,367,332 alleles (0.0038%); highest among the groups gnomAD compares: South Asian, 0.022%; no homozygotes.

Submissions (4):

Labcorp Genetics (formerly Invitae), Labcorp
Classification: Benign. Last evaluated: 2026-01-21. Review status: criteria provided, single submitter. Criteria: Invitae Variant Classification Sherloc (09022015). Collection method: clinical testing. Allele origin: germline.

GeneDx
Classification: Uncertain significance. Last evaluated: 2024-05-30. Review status: criteria provided, single submitter. Criteria: GeneDx Variant Classification Process June 2021. Collection method: clinical testing. Allele origin: germline. Affected: yes.
Comment: Has not been previously published as pathogenic or benign to our knowledge; In silico analysis indicates that this missense variant does not alter protein structure/function

Revvity Omics, Revvity
Classification: Uncertain significance. Last evaluated: 2024-02-07. Review status: criteria provided, single submitter. Criteria: ACMG Guidelines, 2015. Collection method: clinical testing. Allele origin: germline.

Blueprint Genetics
Classification: Uncertain significance. Last evaluated: 2023-12-29. Review status: criteria provided, single submitter. Criteria: ACMG Guidelines, 2015. Collection method: clinical testing. Allele origin: germline.